The following is an entry in ClinVar:

ClinVar aggregate classification (germline): Likely benign (0 of 4 stars; one submission).

Conditions:
EP300-related disorder. Also called: EP300-related disorders; EP300-related condition.

Submission:

PreventionGenetics, part of Exact Sciences
Classification: Likely benign for EP300-related condition. Last evaluated: 2024-09-22. Review status: no assertion criteria provided. Collection method: clinical testing. Allele origin: germline.
Comment: This variant is classified as likely benign based on ACMG/AMP sequence variant interpretation guidelines (Richards et al. 2015 PMID: 25741868, with internal and published modifications).

NM_001429.4(EP300):c.1041T>C (p.His347=)

Gene: EP300 (E1A binding protein p300; plus strand). Cytogenetic location: 22q13.2.
Variant type: single nucleotide variant.
Coding change: c.1041T>C on transcript NM_001429.4 (MANE Select); coding-DNA position 1041, T replaced by C.
Protein change: p.His347=; no amino-acid change (histidine 347 retained).
Molecular consequence: synonymous variant.
Genome position (GRCh38, 1-based): chr22:41,127,621, T>C. VCF-style: chr22-41127621-T-C. GRCh37 (hg19) VCF-style: chr22-41523625-T-C.
Other names: c.1041T>C, p.His347= (NM_001362843.2).
Identifiers: ClinVar variation 3355437 (VCV003355437.1).